The following is an entry in ClinVar:

NM_002815.4(PSMD11):c.1046A>G (p.His349Arg)

Gene: PSMD11 (proteasome 26S subunit, non-ATPase 11; plus strand). Cytogenetic location: 17q11.2.
Variant type: single nucleotide variant.
Coding change: c.1046A>G on transcript NM_002815.4 (MANE Select); coding-DNA position 1046, A replaced by G.
Protein change: p.His349Arg; replaces histidine 349 with arginine.
Molecular consequence: missense variant.
Genome position (GRCh38, 1-based): chr17:32,479,858, A>G. VCF-style: chr17-32479858-A-G. GRCh37 (hg19) VCF-style: chr17-30806876-A-G.
Other names: c.1046A>G, p.His349Arg (NM_001270482.2); short protein forms H349R.
Identifiers: ClinVar variation 5017446 (VCV005017446.1).
Genomic context (GRCh38, chr17:32,479,858, plus strand): 5'-TGGAGGCAAAAGTAAAACTTTCAGTGTTGGTGTCTCTCTGCCTTTCCTTTTAGATTGAAC[A>G]CATATCTAGTCTCATCAAACTCTCCAAGGTAAGGAGTCTTAAGGCCATCTGCAGGGAGGA-3'
Protein context (NP_002806.2, residues 339-359): IEPFSRVQIE[His349Arg]ISSLIKLSKA

ClinVar aggregate classification (germline): Uncertain significance (1 of 4 stars; one submission).

gnomAD v4.1: 1 of 1,613,680 alleles (0.000062%); highest among the groups gnomAD compares: South Asian, 0.0011%; no homozygotes.

Submission:

GeneDx
Classification: Uncertain significance. Last evaluated: 2026-03-24. Review status: criteria provided, single submitter. Criteria: GeneDx Variant Classification Process June 2021. Collection method: clinical testing. Allele origin: germline.
Comment: Not observed at significant frequency in large population cohorts (gnomAD); In silico analysis supports that this missense variant has a deleterious effect on protein structure/function; Has not been previously published as pathogenic or benign to our knowledge